The following is an entry in ClinVar:

ClinVar aggregate classification (germline): Pathogenic (1 of 4 stars; one submission).

Conditions:
Primary ciliary dyskinesia 11. Also called: CILIARY DYSKINESIA, PRIMARY, 11, WITHOUT SITUS INVERSUS. Identifiers: Orphanet 244, MedGen C2675229, MONDO:0012978, OMIM 612649.

gnomAD v4.1: 2 of 1,613,944 alleles (0.00012%); highest among the groups gnomAD compares: South Asian, 0.0022%; no homozygotes.

Submission:

Victorian Clinical Genetics Services, Murdoch Childrens Research Institute
Classification: Pathogenic for Primary ciliary dyskinesia 11. Last evaluated: 2025-12-12. Review status: criteria provided, single submitter. Criteria: ACMG Guidelines, 2015. Collection method: clinical testing. Allele origin: germline. Affected: yes.
Comment: This variant is classified as Pathogenic. Evidence in support of pathogenic classification: Variant is predicted to cause nonsense-mediated decay (NMD) and loss of protein (premature termination codon is located at least 54 nucleotides upstream of the final exon-exon junction); Variant is present in gnomAD <0.01 for a recessive condition (v4: 2 heterozygote(s), 0 homozygote(s)); Other NMD-predicted variant(s) comparable to the one identified in this case have very strong previous evidence for pathogenicity (DECIPHER). Additional information: This variant is homozygous; This gene is associated with autosomal recessive disease; Loss of function is a known mechanism of disease in this gene and is associated with primary ciliary dyskinesia 11 (MIM#612649); Inheritance information for this variant is not currently available in this individual.

NM_001010892.3(RSPH4A):c.844G>T (p.Glu282Ter)

Gene: RSPH4A (radial spoke head component 4A; plus strand). Cytogenetic location: 6q22.1.
Variant type: single nucleotide variant.
Coding change: c.844G>T on transcript NM_001010892.3 (MANE Select); coding-DNA position 844, G replaced by T.
Protein change: p.Glu282Ter; replaces glutamic acid 282 with a stop codon.
Molecular consequence: nonsense.
Genome position (GRCh38, 1-based): chr6:116,622,925, G>T. VCF-style: chr6-116622925-G-T. GRCh37 (hg19) VCF-style: chr6-116944088-G-T.
Other names: c.844G>T, p.Glu282Ter (NM_001161664.2); short protein forms E282*.
Identifiers: ClinVar variation 4819014 (VCV004819014.1).